The following is an entry in ClinVar:

ClinVar aggregate classification (germline): Uncertain significance (1 of 4 stars; one submission).

Conditions:
Hereditary cancer-predisposing syndrome. Also called: Hereditary Cancer Syndrome; Hereditary neoplastic syndrome; Tumor predisposition; Neoplastic Syndromes, Hereditary. Identifiers: Orphanet 140162, MedGen C0027672, MeSH D009386, MONDO:0015356.

Submission:

Ambry Genetics
Classification: Uncertain significance for Hereditary cancer-predisposing syndrome. Last evaluated: 2022-08-23. Review status: criteria provided, single submitter. Criteria: Ambry Variant Classification Scheme 2023. Collection method: clinical testing. Allele origin: germline.
Comment: The p.M843V variant (also known as c.2527A>G), located in coding exon 15 of the PTCH1 gene, results from an A to G substitution at nucleotide position 2527. The methionine at codon 843 is replaced by valine, an amino acid with highly similar properties. This amino acid position is conserved. In addition, this alteration is predicted to be deleterious by in silico analysis. Since supporting evidence is limited at this time, the clinical significance of this alteration remains unclear.

NM_000264.5(PTCH1):c.2527A>G (p.Met843Val)

Genes: PTCH1 (patched 1; minus strand), LOC100507346 (uncharacterized LOC100507346; plus strand). Cytogenetic location: 9q22.32.
Variant type: single nucleotide variant.
Coding change: c.2527A>G on transcript NM_000264.5 (MANE Select); coding-DNA position 2527, A replaced by G.
Protein change: p.Met843Val; replaces methionine 843 with valine.
Molecular consequence: missense variant. On other transcripts: non-coding transcript variant (2).
Genome position (GRCh38, 1-based): chr9:95,467,149, T>C on the plus strand (A>G on the coding strand, the complement: PTCH1 is on the minus strand). VCF-style: chr9-95467149-T-C. GRCh37 (hg19) VCF-style: chr9-98229431-T-C.
Other names: c.2329A>G, p.Met777Val (NM_001083602.3); c.2524A>G, p.Met842Val (NM_001083603.3); c.2074A>G, p.Met692Val (NM_001083604.3, NM_001083605.3, NM_001083606.3 and 1 more transcripts); c.2371A>G, p.Met791Val (NM_001354918.2); short protein forms M791V, M843V, M692V, M777V, M842V.
Identifiers: ClinVar variation 1792602 (VCV001792602.2), dbSNP rs2117948248, ClinGen allele CA374113796.